The following is an entry in ClinVar:

ClinVar aggregate classification (germline): Uncertain significance (1 of 4 stars; one submission).

Submission:

Labcorp Genetics (formerly Invitae), Labcorp
Classification: Uncertain significance. Last evaluated: 2024-03-01. Review status: criteria provided, single submitter. Criteria: Invitae Variant Classification Sherloc (09022015). Collection method: clinical testing. Allele origin: germline.
Comment: This sequence change creates a premature translational stop signal (p.Leu217Tyrfs*6) in the SLC25A32 gene. It is expected to result in an absent or disrupted protein product. However, the current clinical and genetic evidence is not sufficient to establish whether loss-of-function variants in SLC25A32 cause disease. This variant is not present in population databases (gnomAD no frequency). This variant has not been reported in the literature in individuals affected with SLC25A32-related conditions. In summary, the available evidence is currently insufficient to determine the role of this variant in disease. Therefore, it has been classified as a Variant of Uncertain Significance.

NM_030780.5(SLC25A32):c.650del (p.Leu217fs)

Gene: SLC25A32 (solute carrier family 25 member 32; minus strand). Cytogenetic location: 8q22.3.
Variant type: Deletion.
Coding change: c.650del on transcript NM_030780.5 (MANE Select); coding-DNA position 650, one base deleted (T; older notation c.650delT).
Protein change: p.Leu217fs; shifts the reading frame from leucine 217.
Molecular consequence: frameshift variant. On other transcripts: non-coding transcript variant (2).
Genome position (GRCh38, 1-based): chr8:103,401,957, A deleted on the plus strand (T on the coding strand, the reverse complement: SLC25A32 is on the minus strand); the first of 2 consecutive A bases (chr8:103,401,957-103,401,958); deleting either gives the same sequence. VCF-style (leftmost placement, unchanged base first): chr8-103401956-TA-T. GRCh37 (hg19) VCF-style: chr8-104414184-TA-T.
Other names: short protein forms L217fs.
Identifiers: ClinVar variation 3643955 (VCV003643955.2).
Genomic context (GRCh38, chr8:103,401,956, plus strand): 5'-TACCCATAAAAGGAAATGATATCATTTTTACAAGAATAATCTTACCAACTGGGCTTCTGG[TA>T]ATCTATTGATATGCTGGTTGTACTTCAACTTCAGCAATTCATATGCCATAAACTGAAGGG-3'